The following is an entry in ClinVar:

ClinVar aggregate classification (germline): Uncertain significance (1 of 4 stars; one submission).

Conditions:
DOCK2 deficiency. Also called: Immunodeficiency 40. Identifiers: Orphanet 447737, MedGen C4225328, MONDO:0014637, OMIM 616433.

Allele frequency attached by ClinVar (database versions not stated): gnomAD exomes below 0.00001 and 0.00001; ExAC 0.00001.
gnomAD v4.1: 6 of 1,614,046 alleles (0.00037%); highest among the groups gnomAD compares: Admixed American, 0.0017%; no homozygotes.

Submission:

Labcorp Genetics (formerly Invitae), Labcorp
Classification: Uncertain significance for DOCK2 deficiency. Last evaluated: 2022-05-25. Review status: criteria provided, single submitter. Criteria: Invitae Variant Classification Sherloc (09022015). Collection method: clinical testing. Allele origin: germline.
Comment: This variant is present in population databases (rs752262388, gnomAD 0.004%). This sequence change replaces arginine, which is basic and polar, with glutamine, which is neutral and polar, at codon 854 of the DOCK2 protein (p.Arg854Gln). This variant has not been reported in the literature in individuals affected with DOCK2-related conditions. In summary, the available evidence is currently insufficient to determine the role of this variant in disease. Therefore, it has been classified as a Variant of Uncertain Significance. Algorithms developed to predict the effect of missense changes on protein structure and function are either unavailable or do not agree on the potential impact of this missense change (SIFT: "Tolerated"; PolyPhen-2: "Probably Damaging"; Align-GVGD: "Class C0"). ClinVar contains an entry for this variant (Variation ID: 998919).

NM_004946.3(DOCK2):c.2561G>A (p.Arg854Gln)

Gene: DOCK2 (dedicator of cytokinesis 2; plus strand). Cytogenetic location: 5q35.1.
Variant type: single nucleotide variant.
Coding change: c.2561G>A on transcript NM_004946.3 (MANE Select); coding-DNA position 2561, G replaced by A.
Protein change: p.Arg854Gln; replaces arginine 854 with glutamine.
Molecular consequence: missense variant. On other transcripts: non-coding transcript variant (1).
Genome position (GRCh38, 1-based): chr5:169,803,064, G>A. VCF-style: chr5-169803064-G-A. GRCh37 (hg19) VCF-style: chr5-169230068-G-A.
Other names: short protein forms R854Q.
Identifiers: ClinVar variation 998919 (VCV000998919.7), dbSNP rs752262388, ClinGen allele CA3553797.